The following is an entry in ClinVar:

NM_000535.7(PMS2):c.250+1G>A

Gene: PMS2 (PMS1 homolog 2, mismatch repair system component; minus strand). Cytogenetic location: 7p22.1.
Variant type: single nucleotide variant.
Coding change: c.250+1G>A on transcript NM_000535.7 (MANE Select); the canonical splice donor site of the intron after coding-DNA position 250, G replaced by A.
Molecular consequence: splice donor variant. On other transcripts: intron variant (1).
Genome position (GRCh38, 1-based): chr7:6,003,971, C>T on the plus strand (G>A on the coding strand, the complement: PMS2 is on the minus strand). VCF-style: chr7-6003971-C-T. GRCh37 (hg19) VCF-style: chr7-6043602-C-T.
Other names: c.35+1G>A (NM_001322008.2, NM_001406902.1, NM_001406883.1 and 4 more transcripts); c.-132+1G>A (NM_001406881.1, NM_001406900.1); c.-103+1G>A (NM_001406895.1, NM_001406904.1, NM_001406889.1 and 6 more transcripts); c.-156+1G>A (NM_001406911.1, NM_001322010.2, NM_001322004.2 and 13 more transcripts); c.-235+1G>A (NM_001406879.1, NM_001322015.2, NM_001406878.1 and 3 more transcripts); c.-635+1G>A (NM_001322012.2, NM_001322011.2); c.-52-1335G>A (NM_001406896.1); c.250+1G>A (NM_001406885.1, NM_001406886.1, NM_001406884.1 and 10 more transcripts); and 3 more.
Identifiers: ClinVar variation 1929395 (VCV001929395.5), dbSNP rs1785410333, ClinGen allele CA366744740.

ClinVar aggregate classification (germline): Pathogenic (1 of 4 stars; one submission).

Conditions:
Hereditary nonpolyposis colorectal neoplasms. Identifiers: MedGen C0009405, MeSH D003123.

Allele frequency attached by ClinVar (database versions not stated): TOPMed below 0.00001; gnomAD 0.00001.
gnomAD v4.1: 1 of 1,580,922 alleles (0.000063%); highest among the groups gnomAD compares: African/African-American, 0.0013%; no homozygotes.

Submission:

Labcorp Genetics (formerly Invitae), Labcorp
Classification: Pathogenic for Hereditary nonpolyposis colorectal neoplasms. Last evaluated: 2025-01-15. Review status: criteria provided, single submitter. Criteria: Invitae Variant Classification Sherloc (09022015). Collection method: clinical testing. Allele origin: germline.
Comment: This sequence change affects a donor splice site in intron 3 of the PMS2 gene. It is expected to disrupt RNA splicing. Variants that disrupt the donor or acceptor splice site typically lead to a loss of protein function (PMID: 16199547), and loss-of-function variants in PMS2 are known to be pathogenic (PMID: 21376568, 24362816). This variant is not present in population databases (gnomAD no frequency). Disruption of this splice site has been observed in individuals with colorectal cancer (PMID: 31992580; internal data). ClinVar contains an entry for this variant (Variation ID: 1929395). Algorithms developed to predict the effect of sequence changes on RNA splicing suggest that this variant may disrupt the consensus splice site. For these reasons, this variant has been classified as Pathogenic.

Literature cited by the submitters: PubMed 16199547; PubMed 21376568; PubMed 24362816; PubMed 31992580.